The following is an entry in ClinVar:

ClinVar aggregate classification (germline): Uncertain significance (1 of 4 stars; one submission).

Conditions:
Joubert syndrome. Also called: CEREBELLOPARENCHYMAL DISORDER IV; JOUBERT-BOLTSHAUSER SYNDROME; Familial aplasia of the vermis. Identifiers: Orphanet 475, MedGen C5979921, MONDO:0018772.
Meckel-Gruber syndrome. Also called: DYSENCEPHALIA SPLANCHNOCYSTICA; GRUBER SYNDROME; Dysencephalia splachnocystica. Identifiers: Orphanet 564, MedGen C0265215, MONDO:0018921.

Allele frequency attached by ClinVar (database versions not stated): gnomAD exomes below 0.00001; TOPMed below 0.00001; ExAC 0.00001; gnomAD 0.00001.
gnomAD v4.1: 5 of 1,613,768 alleles (0.00031%); highest among the groups gnomAD compares: East Asian, 0.0067%; no homozygotes.

Submission:

Labcorp Genetics (formerly Invitae), Labcorp
Classification: Uncertain significance for Joubert syndrome; Meckel-Gruber syndrome. Last evaluated: 2021-12-02. Review status: criteria provided, single submitter. Criteria: Invitae Variant Classification Sherloc (09022015). Collection method: clinical testing. Allele origin: germline.
Comment: This sequence change replaces valine, which is neutral and non-polar, with isoleucine, which is neutral and non-polar, at codon 953 of the RPGRIP1L protein (p.Val953Ile). This variant is present in population databases (rs764578359, gnomAD 0.01%). This variant has not been reported in the literature in individuals affected with RPGRIP1L-related conditions. Algorithms developed to predict the effect of missense changes on protein structure and function output the following: SIFT: "Tolerated"; PolyPhen-2: "Benign"; Align-GVGD: "Class C0". The isoleucine amino acid residue is found in multiple mammalian species, which suggests that this missense change does not adversely affect protein function. In summary, the available evidence is currently insufficient to determine the role of this variant in disease. Therefore, it has been classified as a Variant of Uncertain Significance.

NM_015272.5(RPGRIP1L):c.2857G>A (p.Val953Ile)

Gene: RPGRIP1L (RPGRIP1 like; minus strand). Cytogenetic location: 16q12.2.
Variant type: single nucleotide variant.
Coding change: c.2857G>A on transcript NM_015272.5 (MANE Select); coding-DNA position 2857, G replaced by A.
Protein change: p.Val953Ile; replaces valine 953 with isoleucine.
Molecular consequence: missense variant.
Genome position (GRCh38, 1-based): chr16:53,641,302, C>T on the plus strand (G>A on the coding strand, the complement: RPGRIP1L is on the minus strand). VCF-style: chr16-53641302-C-T. GRCh37 (hg19) VCF-style: chr16-53675214-C-T.
Other names: c.2857G>A, p.Val953Ile (NM_001127897.4, NM_001308334.3, NM_001330538.2); short protein forms V953I.
Identifiers: ClinVar variation 2168932 (VCV002168932.1), dbSNP rs764578359, ClinGen allele CA8057447.